The following is an entry in ClinVar:

NM_012203.2(GRHPR):c.170G>A (p.Cys57Tyr)

Gene: GRHPR (glyoxylate and hydroxypyruvate reductase; plus strand). Cytogenetic location: 9p13.2.
Variant type: single nucleotide variant.
Coding change: c.170G>A on transcript NM_012203.2 (MANE Select); coding-DNA position 170, G replaced by A.
Protein change: p.Cys57Tyr; replaces cysteine 57 with tyrosine.
Molecular consequence: missense variant.
Genome position (GRCh38, 1-based): chr9:37,424,931, G>A. VCF-style: chr9-37424931-G-A. GRCh37 (hg19) VCF-style: chr9-37424928-G-A.
Other names: short protein forms C57Y.
Identifiers: ClinVar variation 1805904 (VCV001805904.1), dbSNP rs1455078314, ClinGen allele CA373441586.

ClinVar aggregate classification (germline): Likely pathogenic (1 of 4 stars; one submission).

Conditions:
Primary hyperoxaluria, type II (HP2). Also called: OXALOSIS II; D-GLYCERATE DEHYDROGENASE DEFICIENCY; GLYCERIC ACIDURIA; GLYOXYLATE REDUCTASE/HYDROXYPYRUVATE REDUCTASE DEFICIENCY; Primary hyperoxaluria type 2. Identifiers: Orphanet 416, Orphanet 93599, MedGen C0268165, MONDO:0009824, OMIM 260000. Disease mechanism: loss of function.

Submission:

Victorian Clinical Genetics Services, Murdoch Childrens Research Institute
Classification: Likely pathogenic for Primary hyperoxaluria, type II. Last evaluated: 2020-05-21. Review status: criteria provided, single submitter. Criteria: ACMG Guidelines, 2015. Collection method: clinical testing. Allele origin: germline. Inheritance: Autosomal recessive inheritance. Affected: yes.
Comment: Based on the classification scheme VCGS_Germline_v1.1.1, this variant is classified as LIKELY PATHOGENIC. Following criteria are met: 0102 - Loss-of-function is a known mechanism of disease for this gene. (N) 0106 - This gene is known to be associated with autosomal recessive disease. (N) 0200 - Variant is predicted to result in a missense amino acid change from cysteine to tyrosine (exon 2). (N) 0251 - Variant is heterozygous. (N) 0304 - Variant is present in gnomAD <0.01 for a recessive condition (1 heterozygote, 0 homozygotes). (P) 0501 - Missense variant consistently predicted to be damaging by multiple in silico tools or highly conserved with a major amino acid change. (P) 0600 - Variant is located in an annotated domain or motif. (Catalytic domain; pfam) (N) 0705 - No comparable variants have previous evidence for pathogenicity. (N) 0807 - Variant has not previously been reported in a clinical context. (N) 0905 - No segregation evidence has been identified for this variant. (N) 1007 - No published functional evidence has been identified for this variant. (N) 1102 - Strong phenotype match. (P) 1201 - Heterozygous variant detected in trans with a second (at least likely) pathogenic heterozygous variant in a recessive disease. (N) Legend: (P) - Pathogenic, (N) - Neutral, (B) - Benign